The following is an entry in ClinVar:

ClinVar aggregate classification (germline): Uncertain significance (1 of 4 stars; one submission).

Allele frequency attached by ClinVar (database versions not stated): gnomAD exomes below 0.00001; TOPMed below 0.00001; ExAC 0.00001.
gnomAD v4.1: 2 of 1,613,766 alleles (0.00012%); highest among the groups gnomAD compares: Non-Finnish European, 0.00017%; no homozygotes.

Submission:

Labcorp Genetics (formerly Invitae), Labcorp
Classification: Uncertain significance. Last evaluated: 2021-10-25. Review status: criteria provided, single submitter. Criteria: Invitae Variant Classification Sherloc (09022015). Collection method: clinical testing. Allele origin: germline.
Comment: This sequence change replaces glycine with serine at codon 365 of the CLCC1 protein (p.Gly365Ser). The glycine residue is moderately conserved and there is a small physicochemical difference between glycine and serine. The frequency data for this variant in the population databases is considered unreliable, as metrics indicate poor data quality at this position in the ExAC database. This variant has not been reported in the literature in individuals affected with CLCC1-related conditions. Algorithms developed to predict the effect of missense changes on protein structure and function are either unavailable or do not agree on the potential impact of this missense change (SIFT: "Tolerated"; PolyPhen-2: "Probably Damaging"; Align-GVGD: "Class C0"). In summary, the available evidence is currently insufficient to determine the role of this variant in disease. Therefore, it has been classified as a Variant of Uncertain Significance.

NM_001377458.1(CLCC1):c.1093G>A (p.Gly365Ser)

Gene: CLCC1 (chloride channel CLIC like 1; minus strand). Cytogenetic location: 1p13.3.
Variant type: single nucleotide variant.
Coding change: c.1093G>A on transcript NM_001377458.1 (MANE Select); coding-DNA position 1093, G replaced by A.
Protein change: p.Gly365Ser; replaces glycine 365 with serine.
Molecular consequence: missense variant. On other transcripts: non-coding transcript variant (1).
Genome position (GRCh38, 1-based): chr1:108,937,367, C>T on the plus strand (G>A on the coding strand, the complement: CLCC1 is on the minus strand). VCF-style: chr1-108937367-C-T. GRCh37 (hg19) VCF-style: chr1-109479989-C-T.
Other names: c.1093G>A, p.Gly365Ser (NM_001048210.3, NM_001377459.1, NM_001377460.1 and 8 more transcripts); c.730G>A, p.Gly244Ser (NM_001278202.2); c.538G>A, p.Gly180Ser (NM_001278203.1); c.991G>A, p.Gly331Ser (NM_001377469.1); c.802G>A, p.Gly268Ser (NM_001377470.1); c.943G>A, p.Gly315Ser (NM_015127.5); short protein forms G365S, G180S, G331S, G268S, G244S, G315S.
Identifiers: ClinVar variation 1347064 (VCV001347064.3), dbSNP rs767914869, ClinGen allele CA983396.